The following is an entry in ClinVar:

NM_014921.5(ADGRL1):c.2826C>T (p.His942=)

Genes: ADGRL1 (adhesion G protein-coupled receptor L1; minus strand), ADGRL1-AS1 (ADGRL1 antisense RNA 1; plus strand). Cytogenetic location: 19p13.12.
Variant type: single nucleotide variant.
Coding change: c.2826C>T on transcript NM_014921.5 (MANE Select); coding-DNA position 2826, C replaced by T.
Protein change: p.His942=; no amino-acid change (histidine 942 retained).
Molecular consequence: synonymous variant.
Genome position (GRCh38, 1-based): chr19:14,157,065, G>A on the plus strand (C>T on the coding strand, the complement: ADGRL1 is on the minus strand). VCF-style: chr19-14157065-G-A. GRCh37 (hg19) VCF-style: chr19-14267877-G-A.
Other names: c.2841C>T, p.His947= (NM_001008701.3).
Identifiers: ClinVar variation 4822104 (VCV004822104.4).

ClinVar aggregate classification (germline): Likely benign (1 of 4 stars; one submission).

gnomAD v4.1: 11 of 1,614,028 alleles (0.00068%); highest among the groups gnomAD compares: Middle Eastern, 0.016%; no homozygotes.

Submission:

CeGaT Center for Human Genetics Tuebingen
Classification: Likely benign. Last evaluated: 2026-01-01. Review status: criteria provided, single submitter. Criteria: CeGaT Center For Human Genetics Tuebingen Variant Classification Criteria Version 2. Collection method: clinical testing. Allele origin: germline. Affected: yes. Observed: 1 variant allele.
Comment: ADGRL1: BP4, BP7